The following is an entry in ClinVar:

ClinVar aggregate classification (germline): Uncertain significance (1 of 4 stars; one submission).

Conditions:
Nephrolithiasis/nephrocalcinosis. Identifiers: MedGen CN580796.

Submission:

Ambry Genetics
Classification: Uncertain significance for Nephrolithiasis/nephrocalcinosis. Last evaluated: 2022-09-28. Review status: criteria provided, single submitter. Criteria: Ambry Variant Classification Scheme 2023. Collection method: clinical testing. Allele origin: germline.
Comment: The p.P339R variant (also known as c.1016C>G), located in coding exon 3 of the CASR gene, results from a C to G substitution at nucleotide position 1016. The proline at codon 339 is replaced by arginine, an amino acid with dissimilar properties. This amino acid position is conserved. In addition, this alteration is predicted to be deleterious by in silico analysis. Since supporting evidence is limited at this time, the clinical significance of this alteration remains unclear.

NM_000388.4(CASR):c.1016C>G (p.Pro339Arg)

Gene: CASR (calcium sensing receptor; plus strand). Cytogenetic location: 3q21.1.
Variant type: single nucleotide variant.
Coding change: c.1016C>G on transcript NM_000388.4 (MANE Select); coding-DNA position 1016, C replaced by G.
Protein change: p.Pro339Arg; replaces proline 339 with arginine.
Molecular consequence: missense variant.
Genome position (GRCh38, 1-based): chr3:122,262,051, C>G. VCF-style: chr3-122262051-C-G. GRCh37 (hg19) VCF-style: chr3-121980898-C-G.
Other names: c.1016C>G, p.Pro339Arg (NM_001178065.2); short protein forms P339R.
Identifiers: ClinVar variation 1744719 (VCV001744719.2), dbSNP rs2074632633, ClinGen allele CA354152136.